The following is an entry in ClinVar:

ClinVar aggregate classification (germline): Uncertain significance. Review status: criteria provided, multiple submitters, no conflicts (2 of 4 stars). 2 submissions from 2 submitters: Uncertain significance (2). Last evaluated 2024-04-28.

Conditions:
Severe neurodegenerative syndrome with lipodystrophy. Also called: ENCEPHALOPATHY, PROGRESSIVE, WITH LIPODYSTROPHY; Encephalopathy, progressive, with or without lipodystrophy. Identifiers: Orphanet 363400, MedGen C4014700, MONDO:0014402, OMIM 615924.
Congenital generalized lipodystrophy type 2 (CGL2). Also called: BERARDINELLI SYNDROME; BRUNZELL SYNDROME, BSCL2-RELATED; SEIP SYNDROME; Berardinelli-Seip Congenital Lipodystrophy Type 2. Identifiers: Orphanet 528, Orphanet 696289, MedGen C1720863, MONDO:0010020, OMIM 269700.
Hereditary spastic paraplegia 17. Also called: Silver spastic paraplegia syndrome; Spastic Paraplegia 17; SPASTIC PARAPLEGIA WITH AMYOTROPHY OF HANDS AND FEET; Autosomal dominant spastic paraplegia type 17; Silver Syndrome. Identifiers: Orphanet 100998, MedGen C2931276, MONDO:0010043, OMIM 270685.
Neuronopathy, distal hereditary motor, type 5C. Also called: DHMN VC; NEURONOPATHY, DISTAL HEREDITARY MOTOR, AUTOSOMAL DOMINANT 13; NEURONOPATHY, DISTAL HEREDITARY MOTOR, HARDING TYPE VC; NEUROPATHY, DISTAL HEREDITARY MOTOR, HARDING TYPE VC; SPINAL MUSCULAR ATROPHY, DISTAL, HARDING TYPE VC. Identifiers: MedGen C5436838, MONDO:0030860, OMIM 619112.
Charcot-Marie-Tooth disease type 2. Also called: Charcot-Marie-Tooth type 2. Identifiers: Orphanet 64746, MedGen C0270914, MONDO:0018993.

Allele frequency attached by ClinVar (database versions not stated): gnomAD exomes below 0.00001.
gnomAD v4.1: 3 of 1,614,180 alleles (0.00019%); highest among the groups gnomAD compares: Non-Finnish European, 0.00025%; no homozygotes.

Submissions (2):

Fulgent Genetics
Classification: Uncertain significance for Congenital generalized lipodystrophy type 2; Hereditary spastic paraplegia 17; Severe neurodegenerative syndrome with lipodystrophy; Neuronopathy, distal hereditary motor, type 5C. Last evaluated: 2024-04-28. Review status: criteria provided, single submitter. Criteria: ACMG Guidelines, 2015. Collection method: clinical testing. Allele origin: germline.

Labcorp Genetics (formerly Invitae), Labcorp
Classification: Uncertain significance for Charcot-Marie-Tooth disease type 2. Last evaluated: 2022-10-25. Review status: criteria provided, single submitter. Criteria: Invitae Variant Classification Sherloc (09022015). Collection method: clinical testing. Allele origin: germline.
Comment: This sequence change replaces valine, which is neutral and non-polar, with glycine, which is neutral and non-polar, at codon 46 of the BSCL2 protein (p.Val46Gly). This variant is not present in population databases (gnomAD no frequency). In summary, the available evidence is currently insufficient to determine the role of this variant in disease. Therefore, it has been classified as a Variant of Uncertain Significance. Advanced modeling of protein sequence and biophysical properties (such as structural, functional, and spatial information, amino acid conservation, physicochemical variation, residue mobility, and thermodynamic stability) performed at Invitae indicates that this missense variant is not expected to disrupt BSCL2 protein function. This variant has not been reported in the literature in individuals affected with BSCL2-related conditions.

NM_001122955.4(BSCL2):c.329T>G (p.Val110Gly)

Genes: BSCL2 (BSCL2 lipid droplet biogenesis associated, seipin; minus strand), HNRNPUL2-BSCL2 (HNRNPUL2-BSCL2 readthrough (NMD candidate); minus strand). Cytogenetic location: 11q12.3.
Variant type: single nucleotide variant.
Coding change: c.329T>G on transcript NM_001122955.4 (MANE Select); coding-DNA position 329, T replaced by G.
Protein change: p.Val110Gly; replaces valine 110 with glycine.
Molecular consequence: missense variant. On other transcripts: non-coding transcript variant (1).
Genome position (GRCh38, 1-based): chr11:62,705,376, A>C on the plus strand (T>G on the coding strand, the complement: BSCL2 is on the minus strand). VCF-style: chr11-62705376-A-C. GRCh37 (hg19) VCF-style: chr11-62472848-A-C.
Other names: c.137T>G, p.Val46Gly (NM_001130702.2, NM_032667.6); c.329T>G, p.Val110Gly (NM_001386027.1, NM_001386028.1); short protein forms V46G, V110G.
Identifiers: ClinVar variation 1970638 (VCV001970638.6), dbSNP rs2539181847, ClinGen allele CA380970523.
Genomic context (GRCh38, chr11:62,705,376, plus strand): 5'-ACAGGGCTGAGGTGGCTGACTGTCGGCATATAGGAATAGTAGAAGGAGCCATAGAGGAAG[A>C]CAGACACCCAGAGCAAAAGGAGGATGGTGCAGAAGAGCACCCCAAACTGCAGCAGCAGCC-3'
Protein context (NP_001116427.1, residues 100-120): CTILLLLWVS[Val110Gly]FLYGSFYYSY